The following is an entry in ClinVar:

ClinVar aggregate classification (germline): Uncertain significance. Review status: criteria provided, multiple submitters, no conflicts (2 of 4 stars). 2 submissions from 2 submitters: Uncertain significance (2). Last evaluated 2025-07-11.

Conditions:
Hereditary nonpolyposis colorectal neoplasms. Identifiers: MedGen C0009405, MeSH D003123.
Hereditary cancer-predisposing syndrome. Also called: Neoplastic Syndromes, Hereditary; Hereditary Cancer Syndrome; Tumor predisposition; Hereditary neoplastic syndrome. Identifiers: Orphanet 140162, MedGen C0027672, MeSH D009386, MONDO:0015356.

Allele frequency attached by ClinVar (database versions not stated): gnomAD exomes below 0.00001; TOPMed below 0.00001; gnomAD 0.00001.
gnomAD v4.1: 3 of 1,614,008 alleles (0.00019%); highest among the groups gnomAD compares: Middle Eastern, 0.016%; no homozygotes.

Submissions (2):

Ambry Genetics
Classification: Uncertain significance for Hereditary cancer-predisposing syndrome. Last evaluated: 2025-07-11. Review status: criteria provided, single submitter. Criteria: Ambry Variant Classification Scheme 2023. Collection method: clinical testing. Allele origin: germline.
Comment: The p.L1114V variant (also known as c.3340C>G), located in coding exon 5 of the MSH6 gene, results from a C to G substitution at nucleotide position 3340. The leucine at codon 1114 is replaced by valine, an amino acid with highly similar properties. This amino acid position is not well conserved in available vertebrate species. In addition, this alteration is predicted to be tolerated by in silico analysis. Based on the available evidence, the clinical significance of this variant remains unclear.

Labcorp Genetics (formerly Invitae), Labcorp
Classification: Uncertain significance for Hereditary nonpolyposis colorectal neoplasms. Last evaluated: 2025-06-15. Review status: criteria provided, single submitter. Criteria: Invitae Variant Classification Sherloc (09022015). Collection method: clinical testing. Allele origin: germline.
Comment: This sequence change replaces leucine, which is neutral and non-polar, with valine, which is neutral and non-polar, at codon 1114 of the MSH6 protein (p.Leu1114Val). This variant is not present in population databases (gnomAD no frequency). This variant has not been reported in the literature in individuals affected with MSH6-related conditions. ClinVar contains an entry for this variant (Variation ID: 945723). Invitae Evidence Modeling of protein sequence and biophysical properties (such as structural, functional, and spatial information, amino acid conservation, physicochemical variation, residue mobility, and thermodynamic stability) indicates that this missense variant is not expected to disrupt MSH6 protein function with a negative predictive value of 95%. In summary, the available evidence is currently insufficient to determine the role of this variant in disease. Therefore, it has been classified as a Variant of Uncertain Significance.

NM_000179.3(MSH6):c.3340C>G (p.Leu1114Val)

Gene: MSH6 (mutS homolog 6; plus strand). Cytogenetic location: 2p16.3.
Variant type: single nucleotide variant.
Coding change: c.3340C>G on transcript NM_000179.3 (MANE Select); coding-DNA position 3340, C replaced by G.
Protein change: p.Leu1114Val; replaces leucine 1114 with valine.
Molecular consequence: missense variant.
Genome position (GRCh38, 1-based): chr2:47,803,587, C>G. VCF-style: chr2-47803587-C-G. GRCh37 (hg19) VCF-style: chr2-48030726-C-G.
Other names: c.2950C>G, p.Leu984Val (NM_001281492.2); c.2434C>G, p.Leu812Val (NM_001281493.2, NM_001281494.2); short protein forms L812V, L1114V, L984V.
Identifiers: ClinVar variation 945723 (VCV000945723.13), dbSNP rs1064793520, ClinGen allele CA346758737.
Genomic context (GRCh38, chr2:47,803,587, plus strand): 5'-TCACGCCATCCTTGCATTACGAAGACTTTTTTTGGAGATGATTTTATTCCTAATGACATT[C>G]TAATAGGCTGTGAGGAAGAGGAGCAGGAAAATGGCAAAGCCTATTGTGTGCTTGTTACTG-3'
Protein context (NP_000170.1, residues 1104-1124): FGDDFIPNDI[Leu1114Val]IGCEEEEQEN